The following is an entry in ClinVar:

ClinVar aggregate classification (germline): Benign/Likely benign. Review status: criteria provided, multiple submitters, no conflicts (2 of 4 stars). 4 submissions from 4 submitters: Benign (2); Likely benign (1). 1 of the submissions does not count toward it. Last evaluated 2025-10-02.

Conditions:
RNF213-related disorder. Also called: RNF213-related condition.

Allele frequency attached by ClinVar (database versions not stated): 1000 Genomes Project 0.00200; 1000 Genomes Project 30x 0.00250; TOPMed 0.00401; ESP Exome Variant Server 0.00438; gnomAD exomes 0.00443; ExAC 0.00501; gnomAD 0.00586.
gnomAD v4.1: 8,878 of 1,612,672 alleles (0.55%); highest among the groups gnomAD compares: Non-Finnish European, 0.63%; 32 homozygotes.

Submissions (4):

Labcorp Genetics (formerly Invitae), Labcorp
Classification: Benign. Last evaluated: 2025-10-02. Review status: criteria provided, single submitter. Criteria: Invitae Variant Classification Sherloc (09022015). Collection method: clinical testing. Allele origin: germline.

CeGaT Center for Human Genetics Tuebingen
Classification: Likely benign. Last evaluated: 2025-07-01. Review status: criteria provided, single submitter. Criteria: CeGaT Center For Human Genetics Tuebingen Variant Classification Criteria Version 2. Collection method: clinical testing. Allele origin: germline. Affected: yes. Observed: 5 variant alleles.
Comment: RNF213: BP4, BP7, BS2

Breakthrough Genomics
Classification: Benign. Review status: criteria provided, single submitter. Criteria: ACMG Guidelines, 2015. Collection method: not provided. Allele origin: germline. Inheritance: Autosomal dominant inheritance. Affected: yes.

PreventionGenetics, part of Exact Sciences
Classification: Likely benign for RNF213-related condition. Last evaluated: 2024-09-06. Review status: no assertion criteria provided. Collection method: clinical testing. Allele origin: germline. Not counted in ClinVar's aggregate classification.
Comment: This variant is classified as likely benign based on ACMG/AMP sequence variant interpretation guidelines (Richards et al. 2015 PMID: 25741868, with internal and published modifications).

NM_001256071.3(RNF213):c.2838A>G (p.Gln946=)

Gene: RNF213 (ring finger protein 213; plus strand). Cytogenetic location: 17q25.3.
Variant type: single nucleotide variant.
Coding change: c.2838A>G on transcript NM_001256071.3 (MANE Select); coding-DNA position 2838, A replaced by G.
Protein change: p.Gln946=; no amino-acid change (glutamine 946 retained).
Molecular consequence: synonymous variant.
Genome position (GRCh38, 1-based): chr17:80,317,214, A>G. VCF-style: chr17-80317214-A-G. GRCh37 (hg19) VCF-style: chr17-78291014-A-G.
Other names: c.2838A>G, p.Gln946= (NM_020954.4).
Identifiers: ClinVar variation 791652 (VCV000791652.33), dbSNP rs72849865, ClinGen allele CA8820016.
Genomic context (GRCh38, chr17:80,317,214, plus strand): 5'-GAGAGTGGGTGTGACCTGTGTGCGGGTTTTGCAGGTCTGGAGGCGGCTGGTGGAAATCCA[A>G]TTCCCCGCGGAGCATGGCTGGAAGGAGTCGTTGCTGGGAGACATGGAATGGAGGCTCACA-3'
Protein context (NP_001243000.2, residues 936-956): IEVWRRLVEI[Gln946=]FPAEHGWKES